The following is an entry in ClinVar:

ClinVar aggregate classification (germline): Pathogenic (1 of 4 stars; one submission).

Conditions:
Fetal anomalies with a likely genetic cause.

Submission:

Genetics Laboratory, Great Ormond Street Hospital NHS Foundation Trust, North Thames Genomic Laboratory Hub
Classification: Pathogenic for Fetal anomalies with a likely genetic cause. Last evaluated: 2026-06-19. Review status: criteria provided, single submitter. Criteria: ACGS Best Practice Guidelines for Variant Classification in Rare Disease 2024 v1.2. Collection method: clinical testing. Allele origin: germline. Affected: yes.
Comment: PM2_moderate, PVS1_very-strong

NM_052989.3(IFT122):c.2675_2678del (p.Arg892fs)

Gene: IFT122 (intraflagellar transport 122; plus strand). Cytogenetic location: 3q22.1.
Variant type: Microsatellite.
Coding change: c.2675_2678del on transcript NM_052989.3 (MANE Select); coding-DNA positions 2675 to 2678, 4 bases deleted (GAGA; older notation c.2675_2678delGAGA).
Protein change: p.Arg892fs; shifts the reading frame from arginine 892.
Molecular consequence: frameshift variant.
Genome position (GRCh38, 1-based): chr3:129,506,433-129,506,436, GAGA deleted; deleting any 4 consecutive bases within chr3:129,506,430-129,506,436 gives the same sequence; the c. name uses the placement nearest the transcript's 3' end. VCF-style (leftmost placement, unchanged base first): chr3-129506429-CAGAG-C. GRCh37 (hg19) VCF-style: chr3-129225272-CAGAG-C.
Other names: c.2651_2654del, p.Arg884fs (NM_001280541.2); c.2225_2228del, p.Arg742fs (NM_001280545.2); c.2048_2051del, p.Arg683fs (NM_001280546.2); c.2675_2678del, p.Arg892fs (NM_001410808.1); c.2621_2624del, p.Arg874fs (NM_001410809.1); c.2498_2501del, p.Arg833fs (NM_001410810.1, NM_018262.4); c.2444_2447del, p.Arg815fs (NM_001410811.1, NM_001410813.1); c.2342_2345del, p.Arg781fs (NM_001410815.1, NM_052990.3); and 4 more; short protein forms R683fs, R742fs, R763fs, R781fs, R815fs, R822fs, R833fs, R840fs.
Identifiers: ClinVar variation 4884748 (VCV004884748.1).